The following is an entry in ClinVar:

NM_003647.3(DGKE):c.794C>T (p.Thr265Ile)

Gene: DGKE (diacylglycerol kinase epsilon; plus strand). Cytogenetic location: 17q22.
Variant type: single nucleotide variant.
Coding change: c.794C>T on transcript NM_003647.3 (MANE Select); coding-DNA position 794, C replaced by T.
Protein change: p.Thr265Ile; replaces threonine 265 with isoleucine.
Molecular consequence: missense variant.
Genome position (GRCh38, 1-based): chr17:56,847,971, C>T. VCF-style: chr17-56847971-C-T. GRCh37 (hg19) VCF-style: chr17-54925332-C-T.
Other names: p.Thr265Ile; short protein forms T265I.
Identifiers: ClinVar variation 2397692 (VCV002397692.7), dbSNP rs763782896, ClinGen allele CA8663620.

ClinVar aggregate classification (germline): Uncertain significance. Review status: criteria provided, multiple submitters, no conflicts (2 of 4 stars). 3 submissions from 3 submitters: Uncertain significance (3). Last evaluated 2025-04-14.

Conditions:
Inborn genetic diseases. Identifiers: MedGen C0950123, MeSH D030342.

Allele frequency attached by ClinVar (database versions not stated): ExAC 0.00002; gnomAD exomes 0.00004; TOPMed 0.00002.
gnomAD v4.1: 49 of 1,606,620 alleles (0.003%); highest among the groups gnomAD compares: Non-Finnish European, 0.0042%; no homozygotes.

Submissions (3):

Labcorp Genetics (formerly Invitae), Labcorp
Classification: Uncertain significance. Last evaluated: 2025-04-14. Review status: criteria provided, single submitter. Criteria: Invitae Variant Classification Sherloc (09022015). Collection method: clinical testing. Allele origin: germline.
Comment: This sequence change replaces threonine, which is neutral and polar, with isoleucine, which is neutral and non-polar, at codon 265 of the DGKE protein (p.Thr265Ile). This variant is present in population databases (rs763782896, gnomAD 0.005%). This variant has not been reported in the literature in individuals affected with DGKE-related conditions. ClinVar contains an entry for this variant (Variation ID: 2397692). Invitae Evidence Modeling of protein sequence and biophysical properties (such as structural, functional, and spatial information, amino acid conservation, physicochemical variation, residue mobility, and thermodynamic stability) indicates that this missense variant is not expected to disrupt DGKE protein function with a negative predictive value of 80%. In summary, the available evidence is currently insufficient to determine the role of this variant in disease. Therefore, it has been classified as a Variant of Uncertain Significance.

Ambry Genetics
Classification: Uncertain significance for Inborn genetic diseases. Last evaluated: 2024-09-08. Review status: criteria provided, single submitter. Criteria: Ambry Variant Classification Scheme 2023. Collection method: clinical testing. Allele origin: germline.

Mayo Clinic Laboratories, Mayo Clinic
Classification: Uncertain significance. Last evaluated: 2023-06-26. Review status: criteria provided, single submitter. Criteria: ACMG Guidelines, 2015. Collection method: clinical testing. Allele origin: germline. Observed: 2 variant alleles.
Comment: BP4